The following is an entry in ClinVar:

NM_001282112.2(TOP3B):c.558G>A (p.Leu186=)

Gene: TOP3B (DNA topoisomerase III beta; minus strand). Cytogenetic location: 22q11.22.
Variant type: single nucleotide variant.
Coding change: c.558G>A on transcript NM_001282112.2 (MANE Select); coding-DNA position 558, G replaced by A.
Protein change: p.Leu186=; no amino-acid change (leucine 186 retained).
Molecular consequence: synonymous variant. On other transcripts: non-coding transcript variant (1).
Genome position (GRCh38, 1-based): chr22:21,970,233, C>T on the plus strand (G>A on the coding strand, the complement: TOP3B is on the minus strand). VCF-style: chr22-21970233-C-T. GRCh37 (hg19) VCF-style: chr22-22324605-C-T.
Other names: c.558G>A, p.Leu186= (NM_001282113.2, NM_001349845.2, NM_001349847.2 and 1 more transcripts); c.150G>A, p.Leu50= (NM_001349848.2, NM_001349850.2, NM_001349851.2 and 1 more transcripts).
Identifiers: ClinVar variation 3043387 (VCV003043387.2), dbSNP rs116048331, ClinGen allele CA10125920.

ClinVar aggregate classification (germline): Likely benign (0 of 4 stars; one submission).

Conditions:
TOP3B-related disorder. Also called: TOP3B-related condition.

Allele frequency attached by ClinVar (database versions not stated): ExAC 0.00003; gnomAD exomes 0.00004; gnomAD 0.00005; TOPMed 0.00005; ESP Exome Variant Server 0.00008; 1000 Genomes Project 30x 0.00031; 1000 Genomes Project 0.00040.
gnomAD v4.1: 75 of 1,612,920 alleles (0.0046%); highest among the groups gnomAD compares: Middle Eastern, 0.017%; 2 homozygotes.

Submission:

PreventionGenetics, part of Exact Sciences
Classification: Likely benign for TOP3B-related condition. Last evaluated: 2019-07-01. Review status: no assertion criteria provided. Collection method: clinical testing. Allele origin: germline.
Comment: This variant is classified as likely benign based on ACMG/AMP sequence variant interpretation guidelines (Richards et al. 2015 PMID: 25741868, with internal and published modifications).